The following is an entry in ClinVar:

ClinVar aggregate classification (germline): Pathogenic (1 of 4 stars; one submission).

Conditions:
SOX9-related disorder. Also called: SOX9-related condition.

Submission:

PreventionGenetics, part of Exact Sciences
Classification: Pathogenic for SOX9-related condition. Last evaluated: 2023-01-09. Review status: criteria provided, single submitter. Criteria: ACMG Guidelines, 2015. Collection method: clinical testing. Allele origin: germline.
Comment: The SOX9 c.164dupA variant is predicted to result in a frameshift and premature protein termination (p.Glu57Argfs*195). To our knowledge, this variant has not been reported in the literature or in a large population database, indicating this variant is rare. Frameshift variants in SOX9 are expected to be pathogenic, and therefore we interpret c.164dup (p.Glu57Argfs*195) as pathogenic.

NM_000346.4(SOX9):c.164dup (p.Glu57fs)

Genes: SOX9 (SRY-box transcription factor 9; plus strand), LOC108021846 (SOX9 promoter region; plus strand). Cytogenetic location: 17q24.3.
Variant type: Duplication.
Coding change: c.164dup on transcript NM_000346.4 (MANE Select); coding-DNA position 164, one base duplicated (A; older notation c.164dupA).
Protein change: p.Glu57fs; shifts the reading frame from glutamic acid 57.
Molecular consequence: frameshift variant.
Genome position (GRCh38, 1-based): chr17:72,121,555, A duplicated; the last of 2 consecutive A bases (chr17:72,121,554-72,121,555); duplicating either gives the same sequence. VCF-style (leftmost placement, unchanged base first): chr17-72121553-C-CA. GRCh37 (hg19) VCF-style: chr17-70117694-C-CA.
Other names: short protein forms E57fs.
Identifiers: ClinVar variation 2630008 (VCV002630008.1), dbSNP rs2509622985, ClinGen allele CA2695200332.